The following is an entry in ClinVar:

ClinVar aggregate classification (germline): Uncertain significance (1 of 4 stars; one submission).

Conditions:
Primary ciliary dyskinesia. Also called: Ciliary dyskinesia. Identifiers: Orphanet 244, MedGen C0008780, MONDO:0016575, HP:0012265.

Submission:

Labcorp Genetics (formerly Invitae), Labcorp
Classification: Uncertain significance for Primary ciliary dyskinesia. Last evaluated: 2024-08-29. Review status: criteria provided, single submitter. Criteria: Invitae Variant Classification Sherloc (09022015). Collection method: clinical testing. Allele origin: germline.
Comment: This sequence change replaces serine, which is neutral and polar, with arginine, which is basic and polar, at codon 1513 of the DNAH5 protein (p.Ser1513Arg). This variant is not present in population databases (gnomAD no frequency). This variant has not been reported in the literature in individuals affected with DNAH5-related conditions. Invitae Evidence Modeling of protein sequence and biophysical properties (such as structural, functional, and spatial information, amino acid conservation, physicochemical variation, residue mobility, and thermodynamic stability) indicates that this missense variant is not expected to disrupt DNAH5 protein function with a negative predictive value of 95%. In summary, the available evidence is currently insufficient to determine the role of this variant in disease. Therefore, it has been classified as a Variant of Uncertain Significance.

NM_001369.3(DNAH5):c.4539C>A (p.Ser1513Arg)

Genes: DNAH5 (dynein axonemal heavy chain 5; minus strand), DNAH5-AS1 (DNAH5 antisense RNA 1; plus strand). Cytogenetic location: 5p15.2.
Variant type: single nucleotide variant.
Coding change: c.4539C>A on transcript NM_001369.3 (MANE Select); coding-DNA position 4539, C replaced by A.
Protein change: p.Ser1513Arg; replaces serine 1513 with arginine.
Molecular consequence: missense variant.
Genome position (GRCh38, 1-based): chr5:13,864,454, G>T on the plus strand (C>A on the coding strand, the complement: DNAH5 is on the minus strand). VCF-style: chr5-13864454-G-T. GRCh37 (hg19) VCF-style: chr5-13864563-G-T.
Other names: short protein forms S1513R.
Identifiers: ClinVar variation 3730328 (VCV003730328.2).